The following is an entry in ClinVar:

ClinVar aggregate classification (germline): Likely benign. Review status: criteria provided, multiple submitters, no conflicts (2 of 4 stars). 4 submissions from 4 submitters: Likely benign (3). 1 of the submissions does not count toward it. Last evaluated 2026-02-20.

Conditions:
Polycystic kidney disease. Also called: Kidney, Polycystic; Polycystic kidney dysplasia. Identifiers: MedGen C0022680, MeSH D007690, MONDO:0020642, HP:0000113.

Allele frequency attached by ClinVar (database versions not stated): gnomAD 0.00011 and 0.00012; 1000 Genomes Project 30x 0.00016; TOPMed 0.00022; ExAC 0.00023; gnomAD exomes 0.00024.
gnomAD v4.1: 325 of 1,557,892 alleles (0.021%); highest among the groups gnomAD compares: East Asian, 0.053%; no homozygotes.

Submissions (4):

Women's Health and Genetics/Laboratory Corporation of America, LabCorp
Classification: Likely benign. Last evaluated: 2026-02-20. Review status: criteria provided, single submitter. Criteria: LabCorp Variant Classification Summary - May 2015. Collection method: clinical testing. Allele origin: germline.

Blueprint Genetics
Classification: Likely benign. Last evaluated: 2024-02-29. Review status: criteria provided, single submitter. Criteria: ACMG Guidelines, 2015. Collection method: clinical testing. Allele origin: germline.

Athena Diagnostics
Classification: Likely benign. Last evaluated: 2016-09-30. Review status: criteria provided, single submitter. Criteria: Athena Diagnostics Criteria. Collection method: clinical testing. Allele origin: germline.

Department of Pathology and Laboratory Medicine, Sinai Health System
Classification: Likely benign for Polycystic Kidney disease. Review status: no assertion criteria provided. Collection method: clinical testing. Allele origin: unknown. Affected: yes. Observed: 2 variant alleles. Study: The Canadian Open Genetics Repository (COGR). Not counted in ClinVar's aggregate classification.
Comment: The PKD1 p.Ile2712= variant was not identified in the literature, nor was it identified in GeneInsight COGR, ClinVar, Clinvitae, MutDB, PKD1-LOVD, or PKD1-LOVD 3.0 databases. The variant was identified in dbSNP (ID: rs754894798) as â€šÃ„ÃºN/Aâ€šÃ„Ã¹, ADPKD Mutation Database (classified as likely neutral), the genome Aggregation Database (beta, October 19th 2016) in 37 of 176006 chromosomes (freq. 0.0002), the Exome Aggregation Consortium database (August 8th 2016) in 4 of 17182 chromosomes (freq. 0.0002) in the following populations: European in 3 of 6330 chromosomes (freq. 0.0005), Latino in 1 of 516 chromosomes (freq. 0.002), but was not seen in African, Asian, Finnish and Other populations. The p.Ile2712= variant is not expected to have clinical significance because it does not result in a change of amino acid and is not located in a known consensus splice site. In addition, in silico or computational prediction software programs (SpliceSiteFinder, MaxEntScan, NNSPLICE, GeneSplicer, HumanSpliceFinder) do not predict a difference in splicing. In summary, based on the above information, the clinical significance of this variant cannot be determined with certainty at this time although we would lean towards a more benign role for this variant. This variant is classified as likely benign.

NM_001009944.3(PKD1):c.8136C>T (p.Ile2712=)

Gene: PKD1 (polycystin 1, transient receptor potential channel interacting; minus strand). Cytogenetic location: 16p13.3.
Variant type: single nucleotide variant.
Coding change: c.8136C>T on transcript NM_001009944.3 (MANE Select); coding-DNA position 8136, C replaced by T.
Protein change: p.Ile2712=; no amino-acid change (isoleucine 2712 retained).
Molecular consequence: synonymous variant.
Genome position (GRCh38, 1-based): chr16:2,104,523, G>A on the plus strand (C>T on the coding strand, the complement: PKD1 is on the minus strand). VCF-style: chr16-2104523-G-A. GRCh37 (hg19) VCF-style: chr16-2154524-G-A.
Other names: c.8136C>T, p.Ile2712= (NM_000296.4).
Identifiers: ClinVar variation 448013 (VCV000448013.4), dbSNP rs754894798, ClinGen allele CA7830707.